The following is an entry in ClinVar:

NM_003482.4(KMT2D):c.12164C>G (p.Pro4055Arg)

Gene: KMT2D (lysine methyltransferase 2D; minus strand). Cytogenetic location: 12q13.12.
Variant type: single nucleotide variant.
Coding change: c.12164C>G on transcript NM_003482.4 (MANE Select); coding-DNA position 12164, C replaced by G.
Protein change: p.Pro4055Arg; replaces proline 4055 with arginine.
Molecular consequence: missense variant.
Genome position (GRCh38, 1-based): chr12:49,032,541, G>C on the plus strand (C>G on the coding strand, the complement: KMT2D is on the minus strand). VCF-style: chr12-49032541-G-C. GRCh37 (hg19) VCF-style: chr12-49426324-G-C.
Other names: short protein forms P4055R.
Identifiers: ClinVar variation 4763744 (VCV004763744.1).

ClinVar aggregate classification (germline): Uncertain significance (1 of 4 stars; one submission).

Conditions:
Kabuki syndrome. Also called: NIIKAWA-KUROKI SYNDROME; Kabuki make-up syndrome. Identifiers: Orphanet 2322, MedGen C0796004, MONDO:0016512.

Submission:

Labcorp Genetics (formerly Invitae), Labcorp
Classification: Uncertain significance for Kabuki syndrome. Last evaluated: 2025-01-29. Review status: criteria provided, single submitter. Criteria: Invitae Variant Classification Sherloc (09022015). Collection method: clinical testing. Allele origin: germline.
Comment: This sequence change replaces proline, which is neutral and non-polar, with arginine, which is basic and polar, at codon 4055 of the KMT2D protein (p.Pro4055Arg). This variant is not present in population databases (gnomAD no frequency). This variant has not been reported in the literature in individuals affected with KMT2D-related conditions. Invitae Evidence Modeling of protein sequence and biophysical properties (such as structural, functional, and spatial information, amino acid conservation, physicochemical variation, residue mobility, and thermodynamic stability) indicates that this missense variant is not expected to disrupt KMT2D protein function with a negative predictive value of 95%. In summary, the available evidence is currently insufficient to determine the role of this variant in disease. Therefore, it has been classified as a Variant of Uncertain Significance.